The following is an entry in ClinVar:

ClinVar aggregate classification (germline): Pathogenic (1 of 4 stars; one submission).

Allele frequency attached by ClinVar (database versions not stated): ExAC 0.00001; gnomAD exomes 0.00001.

Submission:

Labcorp Genetics (formerly Invitae), Labcorp
Classification: Pathogenic. Last evaluated: 2023-08-17. Review status: criteria provided, single submitter. Criteria: Invitae Variant Classification Sherloc (09022015). Collection method: clinical testing. Allele origin: germline.
Comment: This sequence change creates a premature translational stop signal (p.Tyr240*) in the MTFMT gene. It is expected to result in an absent or disrupted protein product. Loss-of-function variants in MTFMT are known to be pathogenic (PMID: 21907147, 24461907). This variant is present in population databases (rs769826891, gnomAD 0.003%). This variant has not been reported in the literature in individuals affected with MTFMT-related conditions. ClinVar contains an entry for this variant (Variation ID: 1972453). For these reasons, this variant has been classified as Pathogenic.

Literature cited by the submitters: PubMed 21907147; PubMed 24461907.

NM_139242.4(MTFMT):c.719dup (p.Tyr240Ter)

Gene: MTFMT (mitochondrial methionyl-tRNA formyltransferase; minus strand). Cytogenetic location: 15q22.31.
Variant type: Duplication.
Coding change: c.719dup on transcript NM_139242.4 (MANE Select); coding-DNA position 719, one base duplicated (A; older notation c.719dupA).
Protein change: p.Tyr240Ter; replaces tyrosine 240 with a stop codon.
Molecular consequence: nonsense.
Genome position (GRCh38, 1-based): chr15:65,020,199, T duplicated on the plus strand (A on the coding strand, the reverse complement: MTFMT is on the minus strand). VCF-style (leftmost placement, unchanged base first): chr15-65020198-G-GT. GRCh37 (hg19) VCF-style: chr15-65312536-G-GT.
Other names: short protein forms Y240*.
Identifiers: ClinVar variation 1972453 (VCV001972453.5), dbSNP rs769826891, ClinGen allele CA7613272.